The following is an entry in ClinVar:

NM_001267550.2(TTN):c.1068G>A (p.Glu356=)

Gene: TTN (titin; minus strand). Cytogenetic location: 2q31.2.
Variant type: single nucleotide variant.
Coding change: c.1068G>A on transcript NM_001267550.2 (MANE Select); coding-DNA position 1068, G replaced by A.
Protein change: p.Glu356=; no amino-acid change (glutamic acid 356 retained).
Molecular consequence: synonymous variant.
Genome position (GRCh38, 1-based): chr2:178,795,099, C>T on the plus strand (G>A on the coding strand, the complement: TTN is on the minus strand). VCF-style: chr2-178795099-C-T. GRCh37 (hg19) VCF-style: chr2-179659826-C-T.
Other names: c.1068G>A, p.Glu356= (NM_003319.4, NM_133379.5, NM_133432.3 and 3 more transcripts).
Identifiers: ClinVar variation 166355 (VCV000166355.51), dbSNP rs144716589, ClinGen allele CA179435.

ClinVar aggregate classification (germline): Conflicting classifications of pathogenicity. Review status: criteria provided, conflicting classifications (1 of 4 stars). 18 submissions from 14 submitters: Uncertain significance (3); Benign (9); Likely benign (3). 3 of the submissions do not count toward it. Last evaluated 2026-07-01.

Conditions:
TTN-related disorder. Also called: TTN-related disorders; TTN-related condition; TTN-related disease.
Cardiovascular phenotype. Identifiers: MedGen CN230736.
Autosomal recessive limb-girdle muscular dystrophy type 2J (LGMDR10). Also called: Limb-girdle muscular dystrophy, type 2J; MUSCULAR DYSTROPHY, LIMB-GIRDLE, AUTOSOMAL RECESSIVE 10. Identifiers: Orphanet 140922, MedGen C1837342, MONDO:0012127, OMIM 608807.
Dilated cardiomyopathy 1G (CMD1G). Identifiers: Orphanet 154, MedGen C1858763, MONDO:0011400, OMIM 604145.
Cardiomyopathy (CMYO). Also called: Cardiomyopathies. Identifiers: Orphanet 167848, MedGen C0878544, MONDO:0004994, HP:0001638. Inheritance: Various modes of inheritance.
Myopathy, myofibrillar, 9, with early respiratory failure (MFM9). Also called: EDSTROM MYOPATHY; MYOPATHY, PROXIMAL, WITH EARLY RESPIRATORY MUSCLE INVOLVEMENT; Hereditary myopathy with early respiratory failure; Myopathy, distal, with early respiratory failure, autosomal dominant. Identifiers: Orphanet 178464, Orphanet 34521, MedGen C1863599, MONDO:0011362, OMIM 603689.
Early-onset myopathy with fatal cardiomyopathy (CMYO5). Also called: Salih Myopathy; CONGENITAL MYOPATHY 5 WITH CARDIOMYOPATHY. Identifiers: Orphanet 289377, MedGen C2673677, MONDO:0012714, OMIM 611705. Disease mechanism: loss of function.
Tibial muscular dystrophy (TMD). Also called: Udd Distal Myopathy – Tibial Muscular Dystrophy; Tibial muscular dystrophy, tardive; UDD MYOPATHY. Identifiers: Orphanet 609, MedGen C1838244, MONDO:0010870, OMIM 600334.

Allele frequency attached by ClinVar (database versions not stated): ESP Exome Variant Server 0.00023; TOPMed 0.00026; gnomAD exomes 0.00120 and 0.00268; 1000 Genomes Project 30x 0.00203; gnomAD 0.00212 and 0.00217; ExAC 0.00234; 1000 Genomes Project 0.00240.
gnomAD v4.1: 2,086 of 1,614,072 alleles (0.13%); highest among the groups gnomAD compares: East Asian, 0.32%; 19 homozygotes.

Submissions (18):

CeGaT Center for Human Genetics Tuebingen
Classification: Likely benign. Last evaluated: 2026-07-01. Review status: criteria provided, single submitter. Criteria: CeGaT Center For Human Genetics Tuebingen Variant Classification Criteria Version 2. Collection method: clinical testing. Allele origin: germline. Affected: yes. Observed: 7 variant alleles.
Comment: TTN: BP4, BP7

Labcorp Genetics (formerly Invitae), Labcorp
Classification: Benign for Dilated cardiomyopathy 1G; Autosomal recessive limb-girdle muscular dystrophy type 2J. Last evaluated: 2026-01-10. Review status: criteria provided, single submitter. Criteria: Invitae Variant Classification Sherloc (09022015). Collection method: clinical testing. Allele origin: germline.

Molecular Diagnostic Laboratory for Inherited Cardiovascular Disease, Montreal Heart Institute
Classification: Benign. Last evaluated: 2025-04-09. Review status: criteria provided, single submitter. Criteria: ACMG Guidelines, 2015. Collection method: clinical testing. Allele origin: germline. Affected: no.

Blueprint Genetics
Classification: Likely benign. Last evaluated: 2024-11-15. Review status: criteria provided, single submitter. Criteria: ACMG Guidelines, 2015. Collection method: clinical testing. Allele origin: germline.

Women's Health and Genetics/Laboratory Corporation of America, LabCorp
Classification: Benign. Last evaluated: 2023-11-20. Review status: criteria provided, single submitter. Criteria: LabCorp Variant Classification Summary - May 2015. Collection method: clinical testing. Allele origin: germline.

Ambry Genetics
Classification: Benign for Cardiovascular phenotype. Last evaluated: 2018-01-23. Review status: criteria provided, single submitter. Criteria: Ambry Variant Classification Scheme 2023. Collection method: clinical testing. Allele origin: germline.

Illumina Laboratory Services, Illumina
Classification: Uncertain significance for Dilated cardiomyopathy 1G. Last evaluated: 2018-01-13. Review status: criteria provided, single submitter. Criteria: ICSL Variant Classification Criteria 13 December 2019. Collection method: clinical testing. Allele origin: germline.

Illumina Laboratory Services, Illumina
Classification: Uncertain significance for Autosomal recessive limb-girdle muscular dystrophy type 2J. Last evaluated: 2018-01-13. Review status: criteria provided, single submitter. Criteria: ICSL Variant Classification Criteria 13 December 2019. Collection method: clinical testing. Allele origin: germline.

Illumina Laboratory Services, Illumina
Classification: Benign for Myopathy, myofibrillar, 9, with early respiratory failure. Last evaluated: 2018-01-13. Review status: criteria provided, single submitter. Criteria: ICSL Variant Classification Criteria 13 December 2019. Collection method: clinical testing. Allele origin: germline.
Comment: This variant was observed in the ICSL laboratory as part of a predisposition screen in an ostensibly healthy population. It had not been previously curated by ICSL or reported in the Human Gene Mutation Database (HGMD: prior to June 1st, 2018), and was therefore a candidate for classification through an automated scoring system. Utilizing variant allele frequency, disease prevalence and penetrance estimates, and inheritance mode, an automated score was calculated to assess if this variant is too frequent to cause the disease. Based on the score and internal cut-off values, a variant classified as benign is not then subjected to further curation. The score for this variant resulted in a classification of benign for this disease.

Illumina Laboratory Services, Illumina
Classification: Benign for Tibial muscular dystrophy. Last evaluated: 2018-01-13. Review status: criteria provided, single submitter. Criteria: ICSL Variant Classification Criteria 13 December 2019. Collection method: clinical testing. Allele origin: germline.
Comment: the same text as in the submission from Illumina Laboratory Services, Illumina above.

Illumina Laboratory Services, Illumina
Classification: Uncertain significance for Early-onset myopathy with fatal cardiomyopathy. Last evaluated: 2018-01-13. Review status: criteria provided, single submitter. Criteria: ICSL Variant Classification Criteria 13 December 2019. Collection method: clinical testing. Allele origin: germline.

CHEO Genetics Diagnostic Laboratory, Children's Hospital of Eastern Ontario
Classification: Benign for Cardiomyopathy. Last evaluated: 2017-08-09. Review status: criteria provided, single submitter. Criteria: ACMG Guidelines, 2015. Collection method: clinical testing. Allele origin: germline. Study: Canadian Open Genetics Repository.

Athena Diagnostics
Classification: Benign. Last evaluated: 2017-01-24. Review status: criteria provided, single submitter. Criteria: Athena Diagnostics Criteria. Collection method: clinical testing. Allele origin: germline.

GeneDx
Classification: Benign. Last evaluated: 2015-09-21. Review status: criteria provided, single submitter. Criteria: GeneDx Variant Classification (06012015). Collection method: clinical testing. Allele origin: germline. Affected: yes.
Comment: This variant is considered likely benign or benign based on one or more of the following criteria: it is a conservative change, it occurs at a poorly conserved position in the protein, it is predicted to be benign by multiple in silico algorithms, and/or has population frequency not consistent with disease.

Laboratory for Molecular Medicine, Mass General Brigham Personalized Medicine
Classification: Likely benign. Last evaluated: 2012-03-19. Review status: criteria provided, single submitter. Criteria: LMM Criteria. Collection method: clinical testing. Allele origin: germline. Observed: 1 variant allele.
Comment: Glu356Glu in exon 7 of TTN: This variant is not expected to have clinical signif icance because it does not alter an amino acid residue and is not located within the splice consensus sequence. It has been identified in 3/7020 European Americ an chromosomes from a broad population by the NHLBI Exome Sequencing Project (dbSNP rs144716589).

PreventionGenetics, part of Exact Sciences
Classification: Likely benign for TTN-related condition. Last evaluated: 2024-05-23. Review status: no assertion criteria provided. Collection method: clinical testing. Allele origin: germline. Not counted in ClinVar's aggregate classification.
Comment: This variant is classified as likely benign based on ACMG/AMP sequence variant interpretation guidelines (Richards et al. 2015 PMID: 25741868, with internal and published modifications).

Clinical Genetics DNA and cytogenetics Diagnostics Lab, Erasmus MC, Erasmus Medical Center
Classification: Likely benign. Review status: no assertion criteria provided. Collection method: clinical testing. Allele origin: germline. Affected: yes. Study: VKGL Data-share Consensus. Not counted in ClinVar's aggregate classification.

Clinical Genetics, Academic Medical Center
Classification: Benign. Review status: no assertion criteria provided. Collection method: clinical testing. Allele origin: germline. Affected: yes. Study: VKGL Data-share Consensus. Not counted in ClinVar's aggregate classification.